The following is an entry in ClinVar:

ClinVar aggregate classification (germline): Uncertain significance (1 of 4 stars; one submission).

Conditions:
Inborn genetic diseases. Identifiers: MedGen C0950123, MeSH D030342.

Submission:

Ambry Genetics
Classification: Uncertain significance for Inborn genetic diseases. Last evaluated: 2023-08-01. Review status: criteria provided, single submitter. Criteria: Ambry Variant Classification Scheme 2023. Collection method: clinical testing. Allele origin: germline.
Comment: Loss of function has not been established as a mechanism of disease Based on insufficient or conflicting evidence, the clinical significance of this alteration remains unclear.

NM_001349253.2(SCN11A):c.5144_5146delinsTAGTTGTATGAACTCTATGAA (p.Asn1715_Pro1716delinsIleValValTer)

Gene: SCN11A (sodium voltage-gated channel alpha subunit 11; minus strand). Cytogenetic location: 3p22.2.
Variant type: Indel.
Coding change: c.5144_5146delinsTAGTTGTATGAACTCTATGAA on transcript NM_001349253.2 (MANE Select); coding-DNA positions 5144 to 5146, ATC replaced by TAGTTGTATGAACTCTATGAA.
Protein change: p.Asn1715_Pro1716delinsIleValValTer.
Molecular consequence: nonsense.
Genome position (GRCh38, 1-based): chr3:38,846,924-38,846,926, GAT replaced by TTCATAGAGTTCATACAACTA on the plus strand (ATC replaced by TAGTTGTATGAACTCTATGAA on the coding strand, the reverse complement: SCN11A is on the minus strand). VCF-style: chr3-38846924-GAT-TTCATAGAGTTCATACAACTA. GRCh37 (hg19) VCF-style: chr3-38888415-GAT-TTCATAGAGTTCATACAACTA.
Other names: c.5144_5146delinsTAGTTGTATGAACTCTATGAA, p.Asn1715_Pro1716delinsIleValValTer (NM_014139.3).
Identifiers: ClinVar variation 2614204 (VCV002614204.2), dbSNP rs2470963875, ClinGen allele CA2582342852.